The following is an entry in ClinVar:

NM_002470.4(MYH3):c.3245A>G (p.Lys1082Arg)

Gene: MYH3 (myosin heavy chain 3; minus strand). Cytogenetic location: 17p13.1.
Variant type: single nucleotide variant.
Coding change: c.3245A>G on transcript NM_002470.4 (MANE Select); coding-DNA position 3245, A replaced by G.
Protein change: p.Lys1082Arg; replaces lysine 1082 with arginine.
Molecular consequence: missense variant.
Genome position (GRCh38, 1-based): chr17:10,639,047, T>C on the plus strand (A>G on the coding strand, the complement: MYH3 is on the minus strand). VCF-style: chr17-10639047-T-C. GRCh37 (hg19) VCF-style: chr17-10542364-T-C.
Other names: short protein forms K1082R.
Identifiers: ClinVar variation 3634448 (VCV003634448.2).
Genomic context (GRCh38, chr17:10,639,047, plus strand): 5'-ATGAAGACAAAATACACAGTAACTTGCAAAATGGAAGCCAGTGGTTGAAGGGCATACTTC[T>C]TGAGCCTTTCGTCCAGCTGTTGCTTGTCATTCTCCAGATCTAATATGGACTCTTGAGCAA-3'
Protein context (NP_002461.2, residues 1072-1092): NDKQQLDERL[Lys1082Arg]KKDFEYCQLQ

ClinVar aggregate classification (germline): Uncertain significance (1 of 4 stars; one submission).

gnomAD v4.1: 1 of 1,614,260 alleles (0.000062%); highest among the groups gnomAD compares: Non-Finnish European, 0.000085%; no homozygotes.

Submission:

Labcorp Genetics (formerly Invitae), Labcorp
Classification: Uncertain significance. Last evaluated: 2024-11-24. Review status: criteria provided, single submitter. Criteria: Invitae Variant Classification Sherloc (09022015). Collection method: clinical testing. Allele origin: germline.
Comment: This sequence change replaces lysine, which is basic and polar, with arginine, which is basic and polar, at codon 1082 of the MYH3 protein (p.Lys1082Arg). This variant is not present in population databases (gnomAD no frequency). This variant has not been reported in the literature in individuals affected with MYH3-related conditions. Invitae Evidence Modeling of protein sequence and biophysical properties (such as structural, functional, and spatial information, amino acid conservation, physicochemical variation, residue mobility, and thermodynamic stability) indicates that this missense variant is not expected to disrupt MYH3 protein function with a negative predictive value of 95%. In summary, the available evidence is currently insufficient to determine the role of this variant in disease. Therefore, it has been classified as a Variant of Uncertain Significance.